The following is an entry in ClinVar:

NM_024426.6(WT1):c.1519del (p.His507fs)

Gene: WT1 (WT1 transcription factor; minus strand). Cytogenetic location: 11p13.
Variant type: Deletion.
Coding change: c.1519del on transcript NM_024426.6 (MANE Select); coding-DNA position 1519, one base deleted (C; older notation c.1519delC).
Protein change: p.His507fs; shifts the reading frame from histidine 507.
Molecular consequence: frameshift variant. On other transcripts: non-coding transcript variant (2).
Genome position (GRCh38, 1-based): chr11:32,389,108, G deleted on the plus strand (C on the coding strand, the reverse complement: WT1 is on the minus strand); the first of 2 consecutive G bases (chr11:32,389,108-32,389,109); deleting either gives the same sequence. VCF-style (leftmost placement, unchanged base first): chr11-32389107-TG-T. GRCh37 (hg19) VCF-style: chr11-32410653-TG-T.
Other names: c.1459del, p.His487fs (NM_000378.6); c.859del, p.His287fs (NM_001198551.2); c.817del, p.His273fs (NM_001198552.2); c.331del, p.His111fs (NM_001367854.1); c.1504del, p.His502fs (NM_001407044.1); c.1468del, p.His490fs (NM_001407045.1); c.1426del, p.His476fs (NM_001407046.1); c.1387del, p.His463fs (NM_001407047.1); and 6 more; short protein forms H111fs, H463fs, H476fs, H487fs, H504fs, H253fs, H490fs, H287fs.
Identifiers: ClinVar variation 2950763 (VCV002950763.3), dbSNP rs2494702354, ClinGen allele CA2740093685.
Genomic context (GRCh38, chr11:32,389,107, plus strand): 5'-AGGGAGACCCCTCAAAGCGCCAGCTGGAGTTTGGTCATGTTTCTCTGATGCATGTTGTGA[TG>T]GCGGACTAATTCATCTGACCGGGCAAACTTTTTCTGACAACTTGGCCACCGACAGCTGAA-3'

ClinVar aggregate classification (germline): Uncertain significance (1 of 4 stars; one submission).

Conditions:
Frasier syndrome. Identifiers: Orphanet 347, MedGen C0950122, MeSH D052159, MONDO:0007635, OMIM 136680.
Drash syndrome (DDS). Also called: NEPHROPATHY, WILMS TUMOR, AND GENITAL ANOMALIES; WILMS TUMOR AND PSEUDO- OR TRUE HERMAPHRODITISM. Identifiers: Orphanet 220, MedGen C0950121, MONDO:0008682, OMIM 194080.
Wilms tumor 1 (WT1). Also called: Wilms tumor, somatic. Identifiers: Orphanet 654, MedGen CN033288, MONDO:0008679, OMIM 194070.
11p partial monosomy syndrome (WAGR). Also called: CHROMOSOME 11p13 DELETION SYNDROME; WAGR syndrome; WAGR Complex; WAGR Spectrum Disorder. Identifiers: Orphanet 893, MedGen C0206115, MONDO:0008681, OMIM 194072.

Submission:

Labcorp Genetics (formerly Invitae), Labcorp
Classification: Uncertain significance for Wilms tumor 1; Drash syndrome; 11p partial monosomy syndrome; Frasier syndrome. Last evaluated: 2023-08-07. Review status: criteria provided, single submitter. Criteria: Invitae Variant Classification Sherloc (09022015). Collection method: clinical testing. Allele origin: germline.
Comment: In summary, the available evidence is currently insufficient to determine the role of this variant in disease. Therefore, it has been classified as a Variant of Uncertain Significance. Experimental studies and prediction algorithms are not available or were not evaluated, and the functional significance of this variant is currently unknown. This variant has not been reported in the literature in individuals affected with WT1-related conditions. This variant is not present in population databases (gnomAD no frequency). This sequence change creates a premature translational stop signal (p.His502Ilefs*9) in the WT1 gene. While this is not anticipated to result in nonsense mediated decay, it is expected to disrupt the last 16 amino acid(s) of the WT1 protein.